The following is an entry in ClinVar:

NM_001378454.1(ALMS1):c.2059C>T (p.His687Tyr)

Gene: ALMS1 (ALMS1 centrosome and basal body associated protein; plus strand). Cytogenetic location: 2p13.1.
Variant type: single nucleotide variant.
Coding change: c.2059C>T on transcript NM_001378454.1 (MANE Select); coding-DNA position 2059, C replaced by T.
Protein change: p.His687Tyr; replaces histidine 687 with tyrosine.
Molecular consequence: missense variant.
Genome position (GRCh38, 1-based): chr2:73,448,586, C>T. VCF-style: chr2-73448586-C-T. GRCh37 (hg19) VCF-style: chr2-73675713-C-T.
Other names: c.2062C>T, p.His688Tyr (NM_015120.4); short protein forms H687Y, H688Y.
Identifiers: ClinVar variation 1120112 (VCV001120112.9), dbSNP rs771266951, ClinGen allele CA1713270.

ClinVar aggregate classification (germline): Conflicting classifications of pathogenicity. Review status: criteria provided, conflicting classifications (1 of 4 stars). 4 submissions from 4 submitters: Uncertain significance (2); Likely benign (2). Last evaluated 2024-04-09.

Conditions:
Cardiovascular phenotype. Identifiers: MedGen CN230736.
Alstrom syndrome (ALMS). Identifiers: Orphanet 64, MedGen C0268425, MONDO:0008763, OMIM 203800.

Allele frequency attached by ClinVar (database versions not stated): ExAC 0.00001; gnomAD exomes 0.00001; gnomAD 0.00002; TOPMed 0.00002.
gnomAD v4.1: 21 of 1,613,886 alleles (0.0013%); highest among the groups gnomAD compares: Non-Finnish European, 0.0016%; no homozygotes.

Submissions (4):

GeneDx
Classification: Uncertain significance. Last evaluated: 2024-04-09. Review status: criteria provided, single submitter. Criteria: GeneDx Variant Classification Process June 2021. Collection method: clinical testing. Allele origin: germline. Affected: yes.
Comment: Not observed at significant frequency in large population cohorts (gnomAD); Has not been previously published as pathogenic or benign to our knowledge; In silico analysis does not support a benign or deleterious effect of this variant on protein structure/function

Ambry Genetics
Classification: Likely benign for Cardiovascular phenotype. Last evaluated: 2023-10-25. Review status: criteria provided, single submitter. Criteria: Ambry Variant Classification Scheme 2023. Collection method: clinical testing. Allele origin: germline.

Labcorp Genetics (formerly Invitae), Labcorp
Classification: Uncertain significance for Alstrom syndrome. Last evaluated: 2022-04-07. Review status: criteria provided, single submitter. Criteria: Invitae Variant Classification Sherloc (09022015). Collection method: clinical testing. Allele origin: germline.
Comment: This sequence change replaces histidine, which is basic and polar, with tyrosine, which is neutral and polar, at codon 688 of the ALMS1 protein (p.His688Tyr). This variant is present in population databases (rs771266951, gnomAD 0.002%). This variant has not been reported in the literature in individuals affected with ALMS1-related conditions. ClinVar contains an entry for this variant (Variation ID: 1120112). Experimental studies and prediction algorithms are not available or were not evaluated, and the functional significance of this variant is currently unknown. In summary, the available evidence is currently insufficient to determine the role of this variant in disease. Therefore, it has been classified as a Variant of Uncertain Significance.

Laboratory for Molecular Medicine, Mass General Brigham Personalized Medicine
Classification: Likely benign. Last evaluated: 2020-09-16. Review status: criteria provided, single submitter. Criteria: LMM Criteria. Collection method: clinical testing. Allele origin: germline. Observed: 1 variant allele.
Comment: The His686Tyr (also known as p.His688Tyr) variant in ALMS1 is classified as likely benign due to a lack of conservation across species. Five mammals (Chinese hamster, guinea pig, Bactrian camel, cat, and cape golden mole) carry a tyrosine at this position. In addition, computational prediction tools predict that this variant does not impact the protein. It has not been previously reported in individuals with hearing loss or Alstrom Syndrome but has been identified in 0.002% (2/112716) of European chromosomes by gnomAD. ACMG/AMP criteria applied: PM2, BP4_Strong, BP4.